The following is an entry in ClinVar:

NM_198407.2(GHSR):c.643T>C (p.Trp215Arg)

Gene: GHSR (growth hormone secretagogue receptor; minus strand). Cytogenetic location: 3q26.31.
Variant type: single nucleotide variant.
Coding change: c.643T>C on transcript NM_198407.2 (MANE Select); coding-DNA position 643, T replaced by C.
Protein change: p.Trp215Arg; replaces tryptophan 215 with arginine.
Molecular consequence: missense variant.
Genome position (GRCh38, 1-based): chr3:172,447,771, A>G on the plus strand (T>C on the coding strand, the complement: GHSR is on the minus strand). VCF-style: chr3-172447771-A-G. GRCh37 (hg19) VCF-style: chr3-172165561-A-G.
Other names: c.643T>C, p.Trp215Arg (NM_004122.2); short protein forms W215R.
Identifiers: ClinVar variation 2804619 (VCV002804619.3), dbSNP rs2473557132, ClinGen allele CA355514008.

ClinVar aggregate classification (germline): Uncertain significance (1 of 4 stars; one submission).

Submission:

Labcorp Genetics (formerly Invitae), Labcorp
Classification: Uncertain significance. Last evaluated: 2023-03-19. Review status: criteria provided, single submitter. Criteria: Invitae Variant Classification Sherloc (09022015). Collection method: clinical testing. Allele origin: germline.
Comment: In summary, the available evidence is currently insufficient to determine the role of this variant in disease. Therefore, it has been classified as a Variant of Uncertain Significance. Algorithms developed to predict the effect of sequence changes on RNA splicing suggest that this variant may disrupt the consensus splice site. Advanced modeling of protein sequence and biophysical properties (such as structural, functional, and spatial information, amino acid conservation, physicochemical variation, residue mobility, and thermodynamic stability) performed at Invitae indicates that this missense variant is expected to disrupt GHSR protein function. This variant has not been reported in the literature in individuals affected with GHSR-related conditions. This variant is not present in population databases (gnomAD no frequency). This sequence change replaces tryptophan, which is neutral and slightly polar, with arginine, which is basic and polar, at codon 215 of the GHSR protein (p.Trp215Arg).